The following is an entry in ClinVar:

NM_201384.3(PLEC):c.4934G>A (p.Arg1645Gln)

Gene: PLEC (plectin; minus strand). Cytogenetic location: 8q24.3.
Variant type: single nucleotide variant.
Coding change: c.4934G>A on transcript NM_201384.3 (MANE Select); coding-DNA position 4934, G replaced by A.
Protein change: p.Arg1645Gln; replaces arginine 1645 with glutamine.
Molecular consequence: missense variant. On other transcripts: intron variant (1).
Genome position (GRCh38, 1-based): chr8:143,924,995, C>T on the plus strand (G>A on the coding strand, the complement: PLEC is on the minus strand). VCF-style: chr8-143924995-C-T. GRCh37 (hg19) VCF-style: chr8-144999163-C-T.
Other names: c.5015G>A, p.Arg1672Gln (NM_000445.5); c.4892G>A, p.Arg1631Gln (NM_201378.4); c.4868G>A, p.Arg1623Gln (NM_201379.3); c.5345G>A, p.Arg1782Gln (NM_201380.4); c.4838G>A, p.Arg1613Gln (NM_201381.3); c.4934G>A, p.Arg1645Gln (NM_201382.4); c.4946G>A, p.Arg1649Gln (NM_201383.3); c.4125+1789G>A (NM_001410941.1); short protein forms R1623Q, R1631Q, R1782Q, R1613Q, R1645Q, R1672Q, R1649Q.
Identifiers: ClinVar variation 2924244 (VCV002924244.3), dbSNP rs782192887, ClinGen allele CA4926496.
Genomic context (GRCh38, chr8:143,924,995, plus strand): 5'-TGCTTCTCAGCCTCGGCCTGCGCCAGGCTCTTCTGCTGCGCCACCTCCTCCGCCTGCAGC[C>T]GCAGCCGTAGCGCCTCGTTGGCCTTGAGCTGCCAGCGCTCCAGCTCCCGCTCTGCCTCCT-3'
Protein context (NP_958786.1, residues 1635-1655): QLKANEALRL[Arg1645Gln]LQAEEVAQQK

ClinVar aggregate classification (germline): Uncertain significance (1 of 4 stars; one submission).

Conditions:
Epidermolysis bullosa simplex with nail dystrophy (EBS5D). Identifiers: MedGen C4225309, MONDO:0014661, OMIM 616487.
Epidermolysis bullosa simplex, Ogna type (EBS5A). Also called: EPIDERMOLYSIS BULLOSA SIMPLEX 5A, OGNA TYPE; Pidermolysis bullosa simplex 5A, Ogna type. Identifiers: Orphanet 79401, MedGen C0432317, MONDO:0007555, OMIM 131950.
Epidermolysis bullosa simplex 5C, with pyloric atresia (EBS5C). Also called: PLEC1-Related Epidermolysis Bullosa with Pyloric Atresia; PLEC-Related Epidermolysis Bullosa with Pyloric Atresia; Epidermolysis bullosa simplex with pyloric atresia. Identifiers: Orphanet 158684, MedGen C2677349, MONDO:0012807, OMIM 612138.
Autosomal recessive limb-girdle muscular dystrophy type 2Q (LGMDR17). Also called: MUSCULAR DYSTROPHY, LIMB-GIRDLE, AUTOSOMAL RECESSIVE 17. Identifiers: Orphanet 254361, MedGen C3150989, MONDO:0013390, OMIM 613723.
Epidermolysis bullosa simplex 5B, with muscular dystrophy (EBS5B). Also called: EPIDERMOLYSIS BULLOSA SIMPLEX AND LIMB-GIRDLE MUSCULAR DYSTROPHY; Epidermolysis bullosa simplex with muscular dystrophy. Identifiers: Orphanet 257, MedGen C2931072, MONDO:0009181, OMIM 226670.

Allele frequency attached by ClinVar (database versions not stated): TOPMed 0.00001; ExAC 0.00003; gnomAD 0.00003.
gnomAD v4.1: 44 of 1,577,508 alleles (0.0028%); highest among the groups gnomAD compares: Non-Finnish European, 0.0033%; no homozygotes.

Submission:

Labcorp Genetics (formerly Invitae), Labcorp
Classification: Uncertain significance for Autosomal recessive limb-girdle muscular dystrophy type 2Q; Epidermolysis bullosa simplex, Ogna type; Epidermolysis bullosa simplex with nail dystrophy; Epidermolysis bullosa simplex 5C, with pyloric atresia; Epidermolysis bullosa simplex 5B, with muscular dystrophy. Last evaluated: 2025-05-28. Review status: criteria provided, single submitter. Criteria: Invitae Variant Classification Sherloc (09022015). Collection method: clinical testing. Allele origin: germline.
Comment: This sequence change replaces arginine, which is basic and polar, with glutamine, which is neutral and polar, at codon 1672 of the PLEC protein (p.Arg1672Gln). This variant is present in population databases (rs782192887, gnomAD 0.009%). This variant has not been reported in the literature in individuals affected with PLEC-related conditions. ClinVar contains an entry for this variant (Variation ID: 2924244). Invitae Evidence Modeling of protein sequence and biophysical properties (such as structural, functional, and spatial information, amino acid conservation, physicochemical variation, residue mobility, and thermodynamic stability) indicates that this missense variant is not expected to disrupt PLEC protein function with a negative predictive value of 80%. In summary, the available evidence is currently insufficient to determine the role of this variant in disease. Therefore, it has been classified as a Variant of Uncertain Significance.